The following is an entry in ClinVar:

NM_001378778.1(MPDZ):c.781G>T (p.Val261Leu)

Gene: MPDZ (multiple PDZ domain crumbs cell polarity complex component; minus strand). Cytogenetic location: 9p23.
Variant type: single nucleotide variant.
Coding change: c.781G>T on transcript NM_001378778.1 (MANE Select); coding-DNA position 781, G replaced by T.
Protein change: p.Val261Leu; replaces valine 261 with leucine.
Molecular consequence: missense variant.
Genome position (GRCh38, 1-based): chr9:13,221,467, C>A on the plus strand (G>T on the coding strand, the complement: MPDZ is on the minus strand). VCF-style: chr9-13221467-C-A. GRCh37 (hg19) VCF-style: chr9-13221466-C-A.
Other names: c.781G>T, p.Val261Leu (NM_001375423.1, NM_001375424.1, NM_001375425.1 and 14 more transcripts); short protein forms V261L.
Identifiers: ClinVar variation 1920957 (VCV001920957.4), dbSNP rs200611423, ClinGen allele CA4988005.

ClinVar aggregate classification (germline): Uncertain significance (1 of 4 stars; one submission).

gnomAD v4.1: 5 of 1,611,026 alleles (0.00031%); highest among the groups gnomAD compares: Non-Finnish European, 0.00034%; no homozygotes.

Submission:

Labcorp Genetics (formerly Invitae), Labcorp
Classification: Uncertain significance. Last evaluated: 2022-03-20. Review status: criteria provided, single submitter. Criteria: Invitae Variant Classification Sherloc (09022015). Collection method: clinical testing. Allele origin: germline.
Comment: In summary, the available evidence is currently insufficient to determine the role of this variant in disease. Therefore, it has been classified as a Variant of Uncertain Significance. Algorithms developed to predict the effect of missense changes on protein structure and function are either unavailable or do not agree on the potential impact of this missense change (SIFT: "Deleterious"; PolyPhen-2: "Benign"; Align-GVGD: "Class C25"). This variant has not been reported in the literature in individuals affected with MPDZ-related conditions. This variant is present in population databases (rs200611423, gnomAD 0.002%). This sequence change replaces valine, which is neutral and non-polar, with leucine, which is neutral and non-polar, at codon 261 of the MPDZ protein (p.Val261Leu).